The following is an entry in ClinVar:

NM_001267550.2(TTN):c.24505+24A>G

Gene: TTN (titin; minus strand). Cytogenetic location: 2q31.2.
Variant type: single nucleotide variant.
Coding change: c.24505+24A>G on transcript NM_001267550.2 (MANE Select); 24 bases into the intron after coding-DNA position 24505, A replaced by G.
Molecular consequence: intron variant.
Genome position (GRCh38, 1-based): chr2:178,718,671, T>C on the plus strand (A>G on the coding strand, the complement: TTN is on the minus strand). VCF-style: chr2-178718671-T-C. GRCh37 (hg19) VCF-style: chr2-179583398-T-C.
Other names: c.13282+19411A>G (NM_003319.4); c.13858+19411A>G (NM_133437.4); c.13657+19411A>G (NM_133432.3); c.20773+24A>G (NM_133378.4); c.23554+24A>G (NM_001256850.1).
Identifiers: ClinVar variation 671413 (VCV000671413.3), dbSNP rs62178978, ClinGen allele CA2000420.

ClinVar aggregate classification (germline): Benign. Review status: criteria provided, multiple submitters, no conflicts (2 of 4 stars). 3 submissions from 3 submitters: Benign (3). Last evaluated 2018-06-14.

Allele frequency attached by ClinVar (database versions not stated): gnomAD 0.19223 and 0.18946; 1000 Genomes Project 30x 0.26983; gnomAD exomes 0.16800 and 0.18820; TOPMed 0.20470; 1000 Genomes Project 0.27157; ESP Exome Variant Server 0.18046; ExAC 0.19084.
gnomAD v4.1: 275,047 of 1,609,334 alleles (17%); highest among the groups gnomAD compares: East Asian, 44%; 26,523 homozygotes.

Submissions (3):

GeneDx
Classification: Benign. Last evaluated: 2018-06-14. Review status: criteria provided, single submitter. Criteria: GeneDx Variant Classification (06012015). Collection method: clinical testing. Allele origin: germline. Affected: yes.
Comment: This variant is considered likely benign or benign based on one or more of the following criteria: it is a conservative change, it occurs at a poorly conserved position in the protein, it is predicted to be benign by multiple in silico algorithms, and/or has population frequency not consistent with disease.

Mayo Clinic Laboratories, Mayo Clinic
Classification: Benign. Last evaluated: 2015-03-19. Review status: criteria provided, single submitter. Criteria: ACMG Guidelines, 2015. Collection method: clinical testing. Allele origin: germline. Observed: 234 variant alleles.

Breakthrough Genomics
Classification: Benign. Review status: criteria provided, single submitter. Criteria: ACMG Guidelines, 2015. Collection method: not provided. Allele origin: germline. Inheritance: Autosomal recessive inheritance. Affected: yes.